The following is an entry in ClinVar:

NM_015102.5(NPHP4):c.2798G>A (p.Arg933Gln)

Gene: NPHP4 (nephrocystin 4; minus strand). Cytogenetic location: 1p36.31.
Variant type: single nucleotide variant.
Coding change: c.2798G>A on transcript NM_015102.5 (MANE Select); coding-DNA position 2798, G replaced by A.
Protein change: p.Arg933Gln; replaces arginine 933 with glutamine.
Molecular consequence: missense variant. On other transcripts: non-coding transcript variant (1).
Genome position (GRCh38, 1-based): chr1:5,877,112, C>T on the plus strand (G>A on the coding strand, the complement: NPHP4 is on the minus strand). VCF-style: chr1-5877112-C-T. GRCh37 (hg19) VCF-style: chr1-5937172-C-T.
Other names: c.1259G>A, p.Arg420Gln (NM_001291593.2); c.1262G>A, p.Arg421Gln (NM_001291594.2); short protein forms R421Q, R420Q, R933Q.
Identifiers: ClinVar variation 876921 (VCV000876921.12), dbSNP rs768347263, ClinGen allele CA553933.

ClinVar aggregate classification (germline): Uncertain significance. Review status: criteria provided, multiple submitters, no conflicts (2 of 4 stars). 6 submissions from 5 submitters: Uncertain significance (6). Last evaluated 2025-05-21.

Conditions:
Nephronophthisis. Also called: Juvenile Nephronophthisis. Identifiers: Orphanet 655, MedGen C0687120, MONDO:0019005, HP:0000090.
Inborn genetic diseases. Identifiers: MedGen C0950123, MeSH D030342.
Nephronophthisis 4 (NPHP4). Also called: NEPHRONOPHTHISIS 4, JUVENILE. Identifiers: Orphanet 655, MedGen C1847013, MONDO:0011752, OMIM 606966.
Senior-Loken syndrome 4 (SLSN4). Identifiers: Orphanet 3156, MedGen C1846979, MONDO:0011756, OMIM 606996.

Allele frequency attached by ClinVar (database versions not stated): gnomAD 0.00005; TOPMed 0.00005; gnomAD exomes 0.00014; ExAC 0.00018.
gnomAD v4.1: 118 of 1,581,570 alleles (0.0075%); highest among the groups gnomAD compares: Admixed American, 0.053%; no homozygotes.

Submissions (6):

Ambry Genetics
Classification: Uncertain significance for Inborn genetic diseases. Last evaluated: 2025-05-21. Review status: criteria provided, single submitter. Criteria: Ambry Variant Classification Scheme 2023. Collection method: clinical testing. Allele origin: germline.

Fulgent Genetics
Classification: Uncertain significance for Nephronophthisis 4; Senior-Loken syndrome 4. Last evaluated: 2024-01-13. Review status: criteria provided, single submitter. Criteria: ACMG Guidelines, 2015. Collection method: clinical testing. Allele origin: germline.

Blueprint Genetics
Classification: Uncertain significance. Last evaluated: 2023-01-04. Review status: criteria provided, single submitter. Criteria: ACMG Guidelines, 2015. Collection method: clinical testing. Allele origin: germline.

Labcorp Genetics (formerly Invitae), Labcorp
Classification: Uncertain significance for Nephronophthisis. Last evaluated: 2022-03-19. Review status: criteria provided, single submitter. Criteria: Invitae Variant Classification Sherloc (09022015). Collection method: clinical testing. Allele origin: germline.
Comment: This sequence change replaces arginine, which is basic and polar, with glutamine, which is neutral and polar, at codon 933 of the NPHP4 protein (p.Arg933Gln). This variant is present in population databases (rs768347263, gnomAD 0.07%). This variant has not been reported in the literature in individuals affected with NPHP4-related conditions. ClinVar contains an entry for this variant (Variation ID: 876921). Algorithms developed to predict the effect of missense changes on protein structure and function (SIFT, PolyPhen-2, Align-GVGD) all suggest that this variant is likely to be tolerated. In summary, the available evidence is currently insufficient to determine the role of this variant in disease. Therefore, it has been classified as a Variant of Uncertain Significance.

Illumina Laboratory Services, Illumina
Classification: Uncertain significance for Nephronophthisis 4. Last evaluated: 2018-01-12. Review status: criteria provided, single submitter. Criteria: ICSL Variant Classification Criteria 13 December 2019. Collection method: clinical testing. Allele origin: germline.

Illumina Laboratory Services, Illumina
Classification: Uncertain significance for Senior-Loken syndrome 4. Last evaluated: 2018-01-12. Review status: criteria provided, single submitter. Criteria: ICSL Variant Classification Criteria 13 December 2019. Collection method: clinical testing. Allele origin: germline.